The following is an entry in ClinVar:

ClinVar aggregate classification (germline): Benign/Likely benign. Review status: criteria provided, multiple submitters, no conflicts (2 of 4 stars). 2 submissions from 2 submitters: Benign (1); Likely benign (1). Last evaluated 2026-02-01.

gnomAD v4.1: 441 of 1,576,534 alleles (0.028%); highest among the groups gnomAD compares: East Asian, 0.92%; 5 homozygotes.

Submissions (2):

CeGaT Center for Human Genetics Tuebingen
Classification: Likely benign. Last evaluated: 2026-02-01. Review status: criteria provided, single submitter. Criteria: CeGaT Center For Human Genetics Tuebingen Variant Classification Criteria Version 2. Collection method: clinical testing. Allele origin: germline. Affected: yes. Observed: 1 variant allele.
Comment: LAMA5: BP4, BS2

Labcorp Genetics (formerly Invitae), Labcorp
Classification: Benign. Last evaluated: 2024-02-08. Review status: criteria provided, single submitter. Criteria: Invitae Variant Classification Sherloc (09022015). Collection method: clinical testing. Allele origin: germline.

NM_005560.6(LAMA5):c.2879-7C>T

Gene: LAMA5 (laminin subunit alpha 5; minus strand). Cytogenetic location: 20q13.33.
Variant type: single nucleotide variant.
Coding change: c.2879-7C>T on transcript NM_005560.6 (MANE Select); 7 bases into the intron before coding-DNA position 2879, C replaced by T.
Molecular consequence: intron variant.
Genome position (GRCh38, 1-based): chr20:62,333,713, G>A on the plus strand (C>T on the coding strand, the complement: LAMA5 is on the minus strand). VCF-style: chr20-62333713-G-A. GRCh37 (hg19) VCF-style: chr20-60908769-G-A.
Identifiers: ClinVar variation 3673453 (VCV003673453.6).